The following is an entry in ClinVar:

NM_001041.4(SI):c.2649_2650insGCCGGGCGCAGTGGCTCACGCCTGTAATCCCAGCACTTTGGGAGGCAGAGGCGGGCGGATCATGAGGTCAGNNNNNNNNNNAAAAAAAAAAAAAAAAAAAAAAAAATCCTTGGGTTG (p.Thr884delinsAlaGlyArgSerGlySerArgLeuTer)

Gene: SI (sucrase-isomaltase; minus strand). Cytogenetic location: 3q26.1.
Variant type: Insertion.
Coding change: c.2649_2650insGCCGGGCGCAGTGGCTCACGCCTGTAATCCCAGCACTTTGGGAGGCAGAGGCGGGCGGATCATGAGGTCAGNNNNNNNNNNAAAAAAAAAAAAAAAAAAAAAAAAATCCTTGGGTTG on transcript NM_001041.4 (MANE Select); coding-DNA positions 2649 to 2650, GCCGGGCGCAGTGGCTCACGCCTGTAATCCCAGCACTTTGGGAGGCAGAGGCGGGCGGATCATGAGGTCAGNNNNNNNNNNAAAAAAAAAAAAAAAAAAAAAAAAATCCTTGGGTTG inserted.
Protein change: p.Thr884delinsAlaGlyArgSerGlySerArgLeuTer.
Molecular consequence: nonsense.
Genome position: GRCh38: chr3:165,032,624-165,032,625. GRCh37 (hg19): chr3:164,750,412-164,750,413.
Identifiers: ClinVar variation 1380540 (VCV001380540.6), dbSNP rs2108205808.

ClinVar aggregate classification (germline): Pathogenic (1 of 4 stars; one submission).

Submission:

Labcorp Genetics (formerly Invitae), Labcorp
Classification: Pathogenic. Last evaluated: 2025-12-26. Review status: criteria provided, single submitter. Criteria: Invitae Variant Classification Sherloc (09022015). Collection method: clinical testing. Allele origin: germline.
Comment: This sequence change inserts a large fragment of DNA, likely a transposable element, in exon 24 of the SI gene (c.2649_2650ins?), causing a frameshift at codon 883 (p.Leu883fs). The exact size and sequence of the insertion cannot be determined by the current assay. However, the insertion is expected to result in an absent or disrupted protein product. This variant is not present in population databases (gnomAD no frequency). This variant has not been reported in the literature in individuals affected with SI-related conditions. ClinVar contains an entry for this variant (Variation ID: 1380540). Retrotransposon insertions including LINE1 (L1), Alu, and SVA (SINE-VNTR-Alu) have been reported to be disease-causing through disruption of either a coding region or splice site (PMID: 19763152, 20307669, 22406018) and loss-of-function variants in SI are known to be pathogenic (PMID: 16329100, 23103650, 25452324). For these reasons, this variant has been classified as Pathogenic.

Literature cited by the submitters: PubMed 19763152; PubMed 20307669; PubMed 22406018; PubMed 16329100; PubMed 23103650; PubMed 25452324.